The following is an entry in ClinVar:

ClinVar aggregate classification (germline): Uncertain significance. Review status: criteria provided, multiple submitters, no conflicts (2 of 4 stars). 4 submissions from 4 submitters: Uncertain significance (3). 1 of the submissions does not count toward it. Last evaluated 2025-09-23.

Conditions:
CUL4B-related disorder. Also called: CUL4B-related condition.
Intellectual disability. Also called: intellectual disabilities; Intellectual developmental disorder; Intellectual functioning disability. Identifiers: MedGen C3714756, MeSH D008607, MONDO:0001071, HP:0001249.
X-linked intellectual disability Cabezas type (MRXSC). Also called: CABEZAS SYNDROME; MENTAL RETARDATION, X-LINKED, SYNDROMIC 15; Intellectual developmental disorder, X-linked syndromic, Cabezas type. Identifiers: Orphanet 85289, Orphanet 85293, MedGen C1845861, MONDO:0010306, OMIM 300354.

Allele frequency attached by ClinVar (database versions not stated): ExAC 0.00001; gnomAD 0.00001; gnomAD exomes 0.00003; TOPMed 0.00002.
gnomAD v4.1: 16 of 1,207,901 alleles (0.0013%); highest among the groups gnomAD compares: Admixed American, 0.011%; no homozygotes.

Submissions (4):

PreventionGenetics, part of Exact Sciences
Classification: Uncertain significance for CUL4B-related condition. Last evaluated: 2025-09-23. Review status: criteria provided, single submitter. Criteria: ACMG Guidelines, 2015. Collection method: clinical testing. Allele origin: germline.
Comment: The CUL4B c.348G>T variant is predicted to result in the amino acid substitution p.Gln116His. To our knowledge, this variant has not been reported in the literature. This variant is reported in 0.018% of alleles in individuals of Latino descent in gnomAD. Although we suspect that this variant may be benign, at this time, the clinical significance of this variant is uncertain due to the absence of conclusive functional and genetic evidence.

Daryl Scott Lab, Baylor College of Medicine
Classification: Uncertain significance for X-linked intellectual disability Cabezas type. Last evaluated: 2023-11-10. Review status: criteria provided, single submitter. Criteria: ACMG Guidelines, 2015. Collection method: clinical testing. Allele origin: maternal.

Labcorp Genetics (formerly Invitae), Labcorp
Classification: Uncertain significance for X-linked intellectual disability Cabezas type. Last evaluated: 2020-08-06. Review status: criteria provided, single submitter. Criteria: Invitae Variant Classification Sherloc (09022015). Collection method: clinical testing. Allele origin: germline.
Comment: In summary, this variant is a rare missense change that is not predicted to affect protein function. There is no indication that it causes disease, but the available evidence is currently insufficient to prove that conclusively. Therefore, it has been classified as a Variant of Uncertain Significance. Algorithms developed to predict the effect of missense changes on protein structure and function (SIFT, PolyPhen-2, Align-GVGD) all suggest that this variant is likely to be tolerated, but these predictions have not been confirmed by published functional studies. This variant is present as hemizygous in an individual in the population databases (rs755306871, ExAC 0.01%) but has not been reported in the literature in individuals with a CUL4B-related disease. This sequence change replaces glutamine with histidine at codon 116 of the CUL4B protein (p.Gln116His). The glutamine residue is moderately conserved and there is a small physicochemical difference between glutamine and histidine.

Centre de Biologie Pathologie Génétique, Centre Hospitalier Universitaire de Lille
Classification: Likely benign for Intellectual disability. Last evaluated: 2019-01-01. Review status: no assertion criteria provided. Collection method: clinical testing. Allele origin: inherited. Affected: yes. Not counted in ClinVar's aggregate classification.

NM_001079872.2(CUL4B):c.294G>T (p.Gln98His)

Genes: CUL4B (cullin 4B; minus strand), LOC113845788 (Sharpr-MPRA regulatory region 11856; plus strand). Cytogenetic location: Xq24.
Variant type: single nucleotide variant.
Coding change: c.294G>T on transcript NM_001079872.2 (MANE Select); coding-DNA position 294, G replaced by T.
Protein change: p.Gln98His; replaces glutamine 98 with histidine.
Molecular consequence: missense variant.
Genome position (GRCh38, 1-based): chrX:120,560,345, C>A on the plus strand (G>T on the coding strand, the complement: CUL4B is on the minus strand). VCF-style: chrX-120560345-C-A. GRCh37 (hg19) VCF-style: chrX-119694200-C-A.
Other names: c.309G>T, p.Gln103His (NM_001330624.2); c.348G>T, p.Gln116His (NM_003588.4); short protein forms Q116H, Q103H, Q98H.
Identifiers: ClinVar variation 465138 (VCV000465138.14), dbSNP rs755306871, ClinGen allele CA10505718.